The following is an entry in ClinVar:

ClinVar aggregate classification (germline): Likely benign. Review status: reviewed by expert panel (3 of 4 stars). 2 submissions from 2 submitters: Likely benign (1). 1 of the submissions does not count toward it. Last evaluated 2025-01-15.

Conditions:
Hereditary thrombocytopenia and hematological cancer predisposition syndrome associated with RUNX1. Also called: Familial Platelet Disorder with Propensity to Acute Myelogenous Leukemia; Familial thrombocytopenia with propensity to acute myelogenous leukemia; PLATELET DISORDER, ASPIRIN-LIKE; RUNX1 Familial Platelet Disorder with Associated Myeloid Malignancies. Identifiers: Orphanet 71290, MedGen C1832388, MeSH C563324, MONDO:0100083, OMIM 601399.
Hereditary thrombocytopenia and hematologic cancer predisposition syndrome. Identifiers: Orphanet 71290, MedGen CN281654, MONDO:0011071.

Submissions (2):

ClinGen Myeloid Malignancy Variant Curation Expert Panel
Classification: Likely benign for Hereditary thrombocytopenia and hematologic cancer predisposition syndrome. Last evaluated: 2025-01-15. Review status: reviewed by expert panel. Criteria: ClinGen MyeloMalig ACMG Specifications v2. Collection method: curation. Allele origin: germline. Inheritance: Autosomal dominant inheritance.
Comment: NM_001754.5(RUNX1):c.967+11T>G is an intronic variant. This variant is completely absent from all population databases with at least 20x coverage for RUNX1 (PM2_Supporting). This variant has a SpliceAI score ≤ 0.20 (0.02 donor loss, 0.01 acceptor loss) and evolutionary conservation algorithms predict the site as not being conserved (PhyloP score ≤ 2.0 (0.64) (BP7). Multiple lines of computational evidence suggest no impact on gene /gene product (SpliceAI score ≤ 0.20 (0.02 donor loss; 0.01 acceptor loss) (BP4). In summary, this variant meets criteria to be classified as likely benign. ACMG/AMP criteria applied, as specified by the Myeloid Malignancy Variant Curation Expert Panel for RUNX1: BP4, BP7, PM2_supporting.

Labcorp Genetics (formerly Invitae), Labcorp
Classification: Likely benign for Hereditary thrombocytopenia and hematological cancer predisposition syndrome associated with RUNX1. Last evaluated: 2023-05-07. Review status: criteria provided, single submitter. Criteria: Invitae Variant Classification Sherloc (09022015). Collection method: clinical testing. Allele origin: germline. Not counted in ClinVar's aggregate classification.

NM_001754.5(RUNX1):c.967+11T>G

Gene: RUNX1 (RUNX family transcription factor 1; minus strand). Cytogenetic location: 21q22.12.
Variant type: single nucleotide variant.
Coding change: c.967+11T>G on transcript NM_001754.5 (MANE Select); 11 bases into the intron after coding-DNA position 967, T replaced by G.
Molecular consequence: intron variant.
Genome position (GRCh38, 1-based): chr21:34,799,290, A>C on the plus strand (T>G on the coding strand, the complement: RUNX1 is on the minus strand). VCF-style: chr21-34799290-A-C. GRCh37 (hg19) VCF-style: chr21-36171587-A-C.
Other names: c.886+11T>G (NM_001001890.3).
Identifiers: ClinVar variation 2862498 (VCV002862498.4), dbSNP rs2145906785, ClinGen allele CA2739267610.